The following is an entry in ClinVar:

NM_016507.4(CDK12):c.1382A>C (p.Glu461Ala)

Gene: CDK12 (cyclin dependent kinase 12; plus strand). Cytogenetic location: 17q12.
Variant type: single nucleotide variant.
Coding change: c.1382A>C on transcript NM_016507.4 (MANE Select); coding-DNA position 1382, A replaced by C.
Protein change: p.Glu461Ala; replaces glutamic acid 461 with alanine.
Molecular consequence: missense variant.
Genome position (GRCh38, 1-based): chr17:39,471,214, A>C. VCF-style: chr17-39471214-A-C. GRCh37 (hg19) VCF-style: chr17-37627467-A-C.
Other names: c.1382A>C, p.Glu461Ala (NM_015083.4); short protein forms E461A.
Identifiers: ClinVar variation 4868573 (VCV004868573.1).

ClinVar aggregate classification (germline): Uncertain significance (1 of 4 stars; one submission).

gnomAD v4.1: 2 of 1,594,706 alleles (0.00013%); highest among the groups gnomAD compares: Admixed American, 0.0036%; no homozygotes.

Submission:

Ambry Genetics
Classification: Uncertain significance. Last evaluated: 2026-06-02. Review status: criteria provided, single submitter. Criteria: Ambry Variant Classification Scheme 2023. Collection method: clinical testing. Allele origin: germline.
Comment: The p.E461A variant (also known as c.1382A>C), located in coding exon 2 of the CDK12 gene, results from an A to C substitution at nucleotide position 1382. The glutamic acid at codon 461 is replaced by alanine, an amino acid with dissimilar properties. This amino acid position is conserved. In addition, this alteration is predicted to be tolerated by in silico analysis. Based on the available evidence, the clinical significance of this variant remains unclear.